The following is an entry in ClinVar:

NM_175914.5(HNF4A):c.823C>T (p.Pro275Ser)

Gene: HNF4A (hepatocyte nuclear factor 4 alpha; plus strand). Cytogenetic location: 20q13.12.
Variant type: single nucleotide variant.
Coding change: c.823C>T on transcript NM_175914.5 (MANE Select); coding-DNA position 823, C replaced by T.
Protein change: p.Pro275Ser; replaces proline 275 with serine.
Molecular consequence: missense variant.
Genome position (GRCh38, 1-based): chr20:44,419,873, C>T. VCF-style: chr20-44419873-C-T. GRCh37 (hg19) VCF-style: chr20-43048513-C-T.
Other names: c.889C>T, p.Pro297Ser (NM_000457.6, NM_178849.3, NM_178850.3); c.823C>T, p.Pro275Ser (NM_001030003.3, NM_001030004.3); c.868C>T, p.Pro290Ser (NM_001258355.2); c.814C>T, p.Pro272Ser (NM_001287182.2, NM_001287183.2, NM_001287184.2); short protein forms P272S, P275S, P290S, P297S.
Identifiers: ClinVar variation 1700661 (VCV001700661.2), dbSNP rs2515699364, ClinGen allele CA409107648.
Genomic context (GRCh38, chr20:44,419,873, plus strand): 5'-CAGGAGCTGCAGATCGATGACAATGAGTATGCCTACCTCAAAGCCATCATCTTCTTTGAC[C>T]CAGGTACAGTGCACACCTCCTAAGCCATCCCTGACTCTCTCTCCAGAACGCTCTGCCAGA-3'
Protein context (NP_787110.2, residues 265-285): AYLKAIIFFD[Pro275Ser]DAKGLSDPGK

ClinVar aggregate classification (germline): Likely pathogenic (1 of 4 stars; one submission).

Conditions:
Maturity-onset diabetes of the young type 1. Also called: MILD JUVENILE DIABETES MELLITUS; MODY, type I; MODY type 1; Diabetes mellitus MODY type 1; MODY HNF4A related; HNF4A-Related Maturity-Onset Diabetes of the Young Type 1. Identifiers: Orphanet 552, MedGen C1852093, MONDO:0007452, OMIM 125850. Disease mechanism: loss of function.

gnomAD v4.1: 3 of 1,614,012 alleles (0.00019%); highest among the groups gnomAD compares: Non-Finnish European, 0.00025%; no homozygotes.

Submission:

Geisinger Clinic, Geisinger Health System
Classification: Likely pathogenic for Maturity-onset diabetes of the young type 1. Last evaluated: 2022-08-02. Review status: criteria provided, single submitter. Criteria: ACMG Guidelines, 2015. Collection method: research. Allele origin: germline. Inheritance: Autosomal dominant inheritance. Affected: yes. Observed: 2 variant alleles.
Comment: PP3, PM2, PP4_Moderate, PP1

Literature cited by the submitters: PubMed 36257325.